The following is an entry in ClinVar:

ClinVar aggregate classification (germline): Conflicting classifications of pathogenicity. Review status: criteria provided, conflicting classifications (1 of 4 stars). 2 submissions from 2 submitters: Uncertain significance (1); Benign (1). Last evaluated 2024-09-01.

Conditions:
Evans syndrome, immunodeficiency, and premature immunosenescence associated with tripeptidyl-peptidase II deficiency. Identifiers: MedGen CN231723. Disease mechanism: loss of function.

Submissions (2):

CeGaT Center for Human Genetics Tuebingen
Classification: Uncertain significance. Last evaluated: 2024-09-01. Review status: criteria provided, single submitter. Criteria: CeGaT Center For Human Genetics Tuebingen Variant Classification Criteria Version 2. Collection method: clinical testing. Allele origin: germline. Affected: yes. Observed: 1 variant allele.
Comment: TPP2: PM2, BP4

Labcorp Genetics (formerly Invitae), Labcorp
Classification: Benign for Evans syndrome, immunodeficiency, and premature immunosenescence associated with tripeptidyl-peptidase II deficiency. Last evaluated: 2024-04-25. Review status: criteria provided, single submitter. Criteria: Invitae Variant Classification Sherloc (09022015). Collection method: clinical testing. Allele origin: germline.

NM_001330588.2(TPP2):c.166-4dup

Gene: TPP2 (tripeptidyl peptidase 2; plus strand). Cytogenetic location: 13q33.1.
Variant type: Duplication.
Coding change: c.166-4dup on transcript NM_001330588.2 (MANE Select); 4 bases into the intron before coding-DNA position 166, one base duplicated (T; older notation c.166-4dupT).
Molecular consequence: intron variant.
Genome position (GRCh38, 1-based): chr13:102,604,789, T duplicated; the last of 4 consecutive T bases (chr13:102,604,786-102,604,789); duplicating any one gives the same sequence. VCF-style (leftmost placement, unchanged base first): chr13-102604785-A-AT. GRCh37 (hg19) VCF-style: chr13-103257135-A-AT.
Other names: c.166-4dup (NM_001367947.1, NM_003291.4).
Identifiers: ClinVar variation 2427919 (VCV002427919.20), dbSNP rs368645570, ClinGen allele CA7037430.